The following is an entry in ClinVar:

ClinVar aggregate classification (germline): Benign. Review status: criteria provided, multiple submitters, no conflicts (2 of 4 stars). 3 submissions from 3 submitters: Benign (2). 1 of the submissions does not count toward it. Last evaluated 2019-12-31.

Conditions:
IARS1-related disorder. Also called: IARS1-related condition.

Allele frequency attached by ClinVar (database versions not stated): gnomAD exomes 0.00065 and 0.00178; ExAC 0.00212; gnomAD 0.00650 and 0.00690; TOPMed 0.00730; ESP Exome Variant Server 0.00753; 1000 Genomes Project 0.00779; 1000 Genomes Project 30x 0.00781.
gnomAD v4.1: 2,004 of 1,613,878 alleles (0.12%); highest among the groups gnomAD compares: African/African-American, 2.2%; 25 homozygotes.

Submissions (3):

Labcorp Genetics (formerly Invitae), Labcorp
Classification: Benign. Last evaluated: 2019-12-31. Review status: criteria provided, single submitter. Criteria: Invitae Variant Classification Sherloc (09022015). Collection method: clinical testing. Allele origin: germline.

Breakthrough Genomics
Classification: Benign. Review status: criteria provided, single submitter. Criteria: ACMG Guidelines, 2015. Collection method: not provided. Allele origin: germline. Inheritance: Autosomal recessive inheritance. Affected: yes.

PreventionGenetics, part of Exact Sciences
Classification: Benign for IARS1-related condition. Last evaluated: 2022-11-29. Review status: no assertion criteria provided. Collection method: clinical testing. Allele origin: germline. Not counted in ClinVar's aggregate classification.
Comment: This variant is classified as benign based on ACMG/AMP sequence variant interpretation guidelines (Richards et al. 2015 PMID: 25741868, with internal and published modifications).

NM_002161.6(IARS1):c.950A>G (p.Glu317Gly)

Gene: IARS1 (isoleucyl-tRNA synthetase 1; minus strand). Cytogenetic location: 9q22.31.
Variant type: single nucleotide variant.
Coding change: c.950A>G on transcript NM_002161.6 (MANE Select); coding-DNA position 950, A replaced by G.
Protein change: p.Glu317Gly; replaces glutamic acid 317 with glycine.
Molecular consequence: missense variant. On other transcripts: non-coding transcript variant (1).
Genome position (GRCh38, 1-based): chr9:92,274,466, T>C on the plus strand (A>G on the coding strand, the complement: IARS1 is on the minus strand). VCF-style: chr9-92274466-T-C. GRCh37 (hg19) VCF-style: chr9-95036748-T-C.
Other names: c.950A>G, p.Glu317Gly (NM_001374299.1, NM_001374300.1, NM_001374301.1 and 1 more transcripts); short protein forms E317G.
Identifiers: ClinVar variation 790072 (VCV000790072.7), dbSNP rs114279476, ClinGen allele CA5122794.